The following is an entry in ClinVar:

NM_014629.4(ARHGEF10):c.2385C>T (p.Asp795=)

Gene: ARHGEF10 (Rho guanine nucleotide exchange factor 10; plus strand). Cytogenetic location: 8p23.3.
Variant type: single nucleotide variant.
Coding change: c.2385C>T on transcript NM_014629.4 (MANE Select); coding-DNA position 2385, C replaced by T.
Protein change: p.Asp795=; no amino-acid change (aspartic acid 795 retained).
Molecular consequence: synonymous variant.
Genome position (GRCh38, 1-based): chr8:1,923,593, C>T. VCF-style: chr8-1923593-C-T. GRCh37 (hg19) VCF-style: chr8-1871759-C-T.
Other names: c.2271C>T, p.Asp757= (NM_001308152.2); c.2385C>T, p.Asp795= (NM_001308153.3); c.2385C>T (NM_014629.3).
Identifiers: ClinVar variation 1284824 (VCV001284824.16), dbSNP rs34036746, ClinGen allele CA4600845.
Genomic context (GRCh38, chr8:1,923,593, plus strand): 5'-AGATGAAATCAGAGCTGCGGACTGCTGCAGAATTCAGTTACAGCTTCCCGGGAAGCAGGA[C>T]AAGTTAGTAGTAGCTTTAAAACGAAACCTTCTTGGCCAATGCTGGGGAGAAAATGGTTCT-3'
Protein context (NP_055444.2, residues 785-805): RIQLQLPGKQ[Asp795=]KSGRPTFFTA

ClinVar aggregate classification (germline): Conflicting classifications of pathogenicity. Review status: criteria provided, conflicting classifications (1 of 4 stars). 7 submissions from 7 submitters: Uncertain significance (2); Likely benign (3). 2 of the submissions do not count toward it. Last evaluated 2026-08-21.

Conditions:
Autosomal dominant slowed nerve conduction velocity. Identifiers: Orphanet 140481, MedGen C1842357, MONDO:0011998, OMIM 608236.
ARHGEF10-related disorder. Also called: ARHGEF10-related condition.

Allele frequency attached by ClinVar (database versions not stated): ESP Exome Variant Server 0.00023.
gnomAD v4.1: 573 of 1,613,976 alleles (0.036%); highest among the groups gnomAD compares: Non-Finnish European, 0.047%; no homozygotes.

Submissions (8):

PreventionGenetics, part of Exact Sciences
Classification: Likely benign for ARHGEF10-related condition. Last evaluated: 2026-08-21. Review status: criteria provided, single submitter. Criteria: ACMG Guidelines, 2015. Collection method: clinical testing. Allele origin: germline.
Comment: This variant is classified as likely benign based on ACMG/AMP sequence variant interpretation guidelines (Richards et al. 2015 PMID: 25741868, with internal and published modifications).

Labcorp Genetics (formerly Invitae), Labcorp
Classification: Likely benign. Last evaluated: 2026-01-16. Review status: criteria provided, single submitter. Criteria: Invitae Variant Classification Sherloc (09022015). Collection method: clinical testing. Allele origin: germline.

Women's Health and Genetics/Laboratory Corporation of America, LabCorp
Classification: Uncertain significance. Last evaluated: 2025-11-03. Review status: criteria provided, single submitter. Criteria: LabCorp Variant Classification Summary - May 2015. Collection method: clinical testing. Allele origin: germline.
Comment: Variant summary: ARHGEF10 c.2385C>T (p.Asp795Asp) alters a conserved nucleotide located close to a canonical splice site and therefore could affect mRNA splicing, leading to a significantly altered protein sequence. Several computational tools predict a significant impact on normal splicing: two predict the variant weakens a 5' donor site, while one predict for the variant no significant impact on splicing. However, these predictions have yet to be confirmed by functional studies. The variant allele was found at a frequency of 0.00016 in 250960 control chromosomes, predominantly at a frequency of 0.00032 within the Non-Finnish European subpopulation in the gnomAD database. This frequency is not significantly higher than estimated for disease-causing variants in ARHGEF10, allowing no clear conclusions about variant significance; although the occurrences in numerous carriers suggest that this variant is likely not associated with a high penetrance, severe, early onset disease phenotype in heterozygous state. To our knowledge, no occurrence of c.2385C>T in individuals affected with ARHGEF10-related conditions and no experimental evidence demonstrating its impact on protein function have been reported. ClinVar contains an entry for this variant (Variation ID: 1284824). Based on the evidence outlined above, the variant was classified as uncertain significance.

Blueprint Genetics
Classification: Likely benign. Last evaluated: 2024-08-21. Review status: criteria provided, single submitter. Criteria: ACMG Guidelines, 2015. Collection method: clinical testing. Allele origin: germline.

Department of Pathology and Laboratory Medicine, Sinai Health System
Classification: Uncertain significance for autosomal dominant slowed nerve conduction velocity. Last evaluated: 2023-03-08. Review status: criteria provided, single submitter. Criteria: ACMG Guidelines, 2015. Collection method: research. Allele origin: germline.

Clinical Genetics DNA and cytogenetics Diagnostics Lab, Erasmus MC, Erasmus Medical Center
Classification: Likely benign. Review status: no assertion criteria provided. Collection method: clinical testing. Allele origin: germline. Affected: yes. Study: VKGL Data-share Consensus. Not counted in ClinVar's aggregate classification.

Clinical Genetics, Academic Medical Center
Classification: Likely benign. Review status: no assertion criteria provided. Collection method: clinical testing. Allele origin: germline. Affected: yes. Study: VKGL Data-share Consensus. Not counted in ClinVar's aggregate classification.

Dr. Peter K. Rogan Lab, Western University
No classification provided (evidence only). Condition: Gastric cancer. Review status: no classification provided. Collection method: in vitro. Allele origin: not applicable. Functional consequence: retained intron. Not counted in ClinVar's aggregate classification.